The following is an entry in ClinVar:

NM_000516.7(GNAS):c.1161C>T (p.His387=)

Gene: GNAS (GNAS complex locus; plus strand). Cytogenetic location: 20q13.32.
Variant type: single nucleotide variant.
Coding change: c.1161C>T on transcript NM_000516.7 (MANE Select); coding-DNA position 1161, C replaced by T.
Protein change: p.His387=; no amino-acid change (histidine 387 retained).
Molecular consequence: synonymous variant. On other transcripts: 3 prime UTR variant (2).
Genome position (GRCh38, 1-based): chr20:58,910,805, C>T. VCF-style: chr20-58910805-C-T. GRCh37 (hg19) VCF-style: chr20-57485860-C-T.
Other names: c.1161C>T (NM_000516.5); c.1164C>T, p.His388= (NM_001077488.5); c.1116C>T, p.His372= (NM_001077489.4); c.*1022C>T (NM_001077490.3); c.984C>T, p.His328= (NM_001309840.2, NM_001309861.2); c.1065C>T, p.His355= (NM_001410912.1); c.3045C>T, p.His1015= (NM_001410913.1); c.*1067C>T (NM_016592.5); and 2 more.
Identifiers: ClinVar variation 1947190 (VCV001947190.6), dbSNP rs764873922, ClinGen allele CA9927328.
Genomic context (GRCh38, chr20:58,910,805, plus strand): 5'-GGACACTGAGAACATCCGCCGTGTGTTCAACGACTGCCGTGACATCATTCAGCGCATGCA[C>T]CTTCGTCAGTACGAGCTGCTCTAAGAAGGGAACCCCCAAATTTAATTAAAGCCTTAAGCA-3'
Protein context (NP_000507.1, residues 377-394): NDCRDIIQRM[His387=]LRQYELL

ClinVar aggregate classification (germline): Likely benign. Review status: criteria provided, single submitter (1 of 4 stars). 2 submissions from 2 submitters: Likely benign (1). 1 of the submissions does not count toward it. Last evaluated 2025-03-19.

Conditions:
GNAS-related disorder. Identifiers: MedGen CN380105.

Allele frequency attached by ClinVar (database versions not stated): gnomAD 0.00001; gnomAD exomes 0.00001; ExAC 0.00002; TOPMed 0.00002.
gnomAD v4.1: 12 of 1,614,044 alleles (0.00074%); highest among the groups gnomAD compares: Admixed American, 0.0083%; no homozygotes.

Submissions (2):

Labcorp Genetics (formerly Invitae), Labcorp
Classification: Likely benign. Last evaluated: 2025-03-19. Review status: criteria provided, single submitter. Criteria: Invitae Variant Classification Sherloc (09022015). Collection method: clinical testing. Allele origin: germline.

PreventionGenetics, part of Exact Sciences
Classification: Likely benign for GNAS-related condition. Last evaluated: 2022-03-15. Review status: no assertion criteria provided. Collection method: clinical testing. Allele origin: germline. Not counted in ClinVar's aggregate classification.
Comment: This variant is classified as likely benign based on ACMG/AMP sequence variant interpretation guidelines (Richards et al. 2015 PMID: 25741868, with internal and published modifications).